The following is an entry in ClinVar:

ClinVar aggregate classification (germline): Pathogenic. Review status: reviewed by expert panel (3 of 4 stars). 4 submissions from 4 submitters: Pathogenic (1). 3 of the submissions do not count toward it. Last evaluated 2016-10-18.

Conditions:
Hereditary breast ovarian cancer syndrome. Also called: BRCA1- and BRCA2-Associated Hereditary Breast and Ovarian Cancer; Hereditary breast and ovarian cancer syndrome; Hereditary breast and ovarian cancer syndrome (HBOC); Breast and ovarian cancer; Hereditary breast and/or ovarian cancer syndrome; Hereditary breast and ovarian cancer. Identifiers: Orphanet 145, MedGen C0677776, MeSH D061325, MONDO:0003582. Disease mechanism: loss of function.
Breast-ovarian cancer, familial, susceptibility to, 1 (BROVCA1). Also called: BRCA1 Hereditary Breast and Ovarian Cancer; OVARIAN CANCER, SUSCEPTIBILITY TO. Identifiers: Orphanet 145, MedGen C2676676, MONDO:0011450, OMIM 604370. Disease mechanism: loss of function.

Submissions (4):

Evidence-based Network for the Interpretation of Germline Mutant Alleles (ENIGMA)
Classification: Pathogenic for Breast-ovarian cancer, familial, susceptibility to, 1. Last evaluated: 2016-10-18. Review status: reviewed by expert panel. Criteria: ENIGMA BRCA1/2 Classification Criteria (2015). Collection method: curation. Allele origin: germline.
Comment: Variant allele predicted to encode a truncated non-functional protein.

Labcorp Genetics (formerly Invitae), Labcorp
Classification: Pathogenic for Hereditary breast ovarian cancer syndrome. Last evaluated: 2025-03-05. Review status: criteria provided, single submitter. Criteria: Invitae Variant Classification Sherloc (09022015). Collection method: clinical testing. Allele origin: germline. Not counted in ClinVar's aggregate classification.
Comment: This sequence change creates a premature translational stop signal (p.Cys1251*) in the BRCA1 gene. It is expected to result in an absent or disrupted protein product. Loss-of-function variants in BRCA1 are known to be pathogenic (PMID: 20104584). This variant is not present in population databases (gnomAD no frequency). This premature translational stop signal has been observed in individual(s) with personal and/or family history of breast and/or ovarian cancer (PMID: 21120943, 29446198). ClinVar contains an entry for this variant (Variation ID: 54988). For these reasons, this variant has been classified as Pathogenic.

Department of Clinical Genetics, Copenhagen University Hospital, Rigshospitalet
Classification: Pathogenic for Breast-ovarian cancer, familial, susceptibility to, 1. Last evaluated: 2024-05-27. Review status: criteria provided, single submitter. Criteria: ACMG Guidelines, 2015. Collection method: clinical testing. Allele origin: germline. Affected: yes. Not counted in ClinVar's aggregate classification.
Comment: PVS1; PM2_supporting; PM5_PTC_Strong

Consortium of Investigators of Modifiers of BRCA1/2 (CIMBA), c/o University of Cambridge
Classification: Pathogenic for Breast-ovarian cancer, familial, susceptibility to, 1. Last evaluated: 2015-10-02. Review status: criteria provided, single submitter. Criteria: CIMBA Mutation Classification guidelines May 2016. Collection method: clinical testing. Allele origin: germline. Not counted in ClinVar's aggregate classification.

Literature cited by the submitters: PubMed 20104584 (cited by Labcorp Genetics (formerly Invitae), Labcorp); PubMed 21120943 (cited by Labcorp Genetics (formerly Invitae), Labcorp); PubMed 29446198 (cited by Labcorp Genetics (formerly Invitae), Labcorp).

NM_007294.4(BRCA1):c.3753T>A (p.Cys1251Ter)

Genes: BRCA1 (BRCA1 DNA repair associated; minus strand), LOC126862571 (BRD4-independent group 4 enhancer GRCh37_chr17:41243136-41244335; plus strand). Cytogenetic location: 17q21.31.
Variant type: single nucleotide variant.
Coding change: c.3753T>A on transcript NM_007294.4 (MANE Select); coding-DNA position 3753, T replaced by A.
Protein change: p.Cys1251Ter; replaces cysteine 1251 with a stop codon.
Molecular consequence: nonsense. On other transcripts: intron variant (135).
Genome position (GRCh38, 1-based): chr17:43,091,778, A>T on the plus strand (T>A on the coding strand, the complement: BRCA1 is on the minus strand). VCF-style: chr17-43091778-A-T. GRCh37 (hg19) VCF-style: chr17-41243795-A-T.
Other names: 3872T>A Cys1251X; c.3753T>A, p.Cys1251Ter (NM_001407620.1, NM_001407621.1, NM_001407622.1 and 30 more transcripts); c.3750T>A, p.Cys1250Ter (NM_001407627.1, NM_001407628.1, NM_001407629.1 and 22 more transcripts); c.3744T>A, p.Cys1248Ter (NM_001407646.1, NM_001407647.1); c.3630T>A, p.Cys1210Ter (NM_001407648.1, NM_001407664.1, NM_001407665.1 and 19 more transcripts); c.3627T>A, p.Cys1209Ter (NM_001407649.1, NM_001407670.1, NM_001407671.1 and 11 more transcripts); c.3675T>A, p.Cys1225Ter (NM_001407653.1, NM_001407654.1, NM_001407655.1 and 4 more transcripts); c.3672T>A, p.Cys1224Ter (NM_001407659.1, NM_001407660.1, NM_001407661.1 and 1 more transcripts); and 42 more; short protein forms C1251*, C1204*, C1203*, C1140*, C1163*, C1180*, C1181*, C1183*.
Identifiers: ClinVar variation 54988 (VCV000054988.15), dbSNP rs397509098, ClinGen allele CA002405.